The following is an entry in ClinVar:

NM_000486.6(AQP2):c.772G>A (p.Glu258Lys)

Genes: AQP2 (aquaporin 2; plus strand), AQP5-AS1 (AQP5 and AQP2 antisense RNA 2; minus strand). Cytogenetic location: 12q13.12.
Variant type: single nucleotide variant.
Coding change: c.772G>A on transcript NM_000486.6 (MANE Select); coding-DNA position 772, G replaced by A.
Protein change: p.Glu258Lys; replaces glutamic acid 258 with lysine.
Molecular consequence: missense variant.
Genome position (GRCh38, 1-based): chr12:49,955,564, G>A. VCF-style: chr12-49955564-G-A. GRCh37 (hg19) VCF-style: chr12-50349347-G-A.
Other names: c.772G>A (NM_000486.5); short protein forms E258K.
Identifiers: ClinVar variation 17836 (VCV000017836.4), dbSNP rs104894332, ClinGen allele CA127478.

ClinVar aggregate classification (germline): Likely pathogenic. Review status: criteria provided, single submitter (1 of 4 stars). 2 submissions from 2 submitters: Likely pathogenic (1). 1 of the submissions does not count toward it. Last evaluated 2024-11-08.

Conditions:
Nephrogenic diabetes insipidus. Identifiers: Orphanet 223, MedGen C0162283, MONDO:0016383, HP:0009806.
Diabetes insipidus, nephrogenic, autosomal (NDI2). Also called: Nephrogenic Diabetes Insipidus, Type II; Diabetes insipidus, nephrogenic, 2, autosomal. Identifiers: Orphanet 223, MedGen C1563706, MONDO:0007451, OMIM 125800.

Submissions (2):

Natera, Inc.
Classification: Likely pathogenic for Nephrogenic diabetes insipidus. Last evaluated: 2024-11-08. Review status: criteria provided, single submitter. Criteria: Natera Variant Classification Schema (03/2026). Collection method: clinical testing. Allele origin: germline.
Comment: The c.772G>A variant in AQP2 is a missense variant predicted to cause substitution of glutamic acid to lysine at amino acid 258. This variant is rare in the general population with a frequency below the threshold expected for the associated phenotype(s). Functional studies show that this variant may disrupt protein function (PMID: 9649557, 10228154). Computational prediction algorithms indicate this variant is likely to affect gene or protein function. Given the available evidence, this variant is classified as Likely Pathogenic.

OMIM
Classification: Pathogenic for DIABETES INSIPIDUS, NEPHROGENIC, 2, AUTOSOMAL DOMINANT. Last evaluated: 1998-07-01. Review status: no assertion criteria provided. Collection method: literature only. Allele origin: germline. Not counted in ClinVar's aggregate classification.

Literature cited by the submitters: PubMed 9649557 (cited by Natera, Inc. and OMIM); PubMed 10228154 (cited by Natera, Inc.).